The following is an entry in ClinVar:

ClinVar aggregate classification (germline): Conflicting classifications of pathogenicity. Review status: criteria provided, conflicting classifications (1 of 4 stars). 2 submissions from 2 submitters: Uncertain significance (1); Likely benign (1). Last evaluated 2025-02-20.

Conditions:
Alstrom syndrome (ALMS). Identifiers: Orphanet 64, MedGen C0268425, MONDO:0008763, OMIM 203800.
Cardiovascular phenotype. Identifiers: MedGen CN230736.

Allele frequency attached by ClinVar (database versions not stated): ExAC 0.00001; gnomAD 0.00001; gnomAD exomes 0.00001 and 0.00003; TOPMed 0.00001.
gnomAD v4.1: 48 of 1,612,082 alleles (0.003%); highest among the groups gnomAD compares: Non-Finnish European, 0.004%; no homozygotes.

Submissions (2):

Ambry Genetics
Classification: Likely benign for Cardiovascular phenotype. Last evaluated: 2025-02-20. Review status: criteria provided, single submitter. Criteria: Ambry Variant Classification Scheme 2023. Collection method: clinical testing. Allele origin: germline.

Labcorp Genetics (formerly Invitae), Labcorp
Classification: Uncertain significance for Alstrom syndrome. Last evaluated: 2021-05-03. Review status: criteria provided, single submitter. Criteria: Invitae Variant Classification Sherloc (09022015). Collection method: clinical testing. Allele origin: germline.
Comment: This sequence change replaces valine with methionine at codon 1643 of the ALMS1 protein (p.Val1643Met). The valine residue is weakly conserved and there is a small physicochemical difference between valine and methionine. This variant is present in population databases (rs763324131, ExAC 0.002%). This variant has not been reported in the literature in individuals with ALMS1-related conditions. Experimental studies and prediction algorithms are not available or were not evaluated, and the functional significance of this variant is currently unknown. In summary, the available evidence is currently insufficient to determine the role of this variant in disease. Therefore, it has been classified as a Variant of Uncertain Significance.

NM_001378454.1(ALMS1):c.4924G>A (p.Val1642Met)

Gene: ALMS1 (ALMS1 centrosome and basal body associated protein; plus strand). Cytogenetic location: 2p13.1.
Variant type: single nucleotide variant.
Coding change: c.4924G>A on transcript NM_001378454.1 (MANE Select); coding-DNA position 4924, G replaced by A.
Protein change: p.Val1642Met; replaces valine 1642 with methionine.
Molecular consequence: missense variant.
Genome position (GRCh38, 1-based): chr2:73,451,451, G>A. VCF-style: chr2-73451451-G-A. GRCh37 (hg19) VCF-style: chr2-73678578-G-A.
Other names: c.4927G>A, p.Val1643Met (NM_015120.4); short protein forms V1643M, V1642M.
Identifiers: ClinVar variation 1412179 (VCV001412179.6), dbSNP rs763324131, ClinGen allele CA1713789.